The following is an entry in ClinVar:

NM_018075.5(ANO10):c.1682C>T (p.Thr561Met)

Gene: ANO10 (anoctamin 10; minus strand). Cytogenetic location: 3p22.1.
Variant type: single nucleotide variant.
Coding change: c.1682C>T on transcript NM_018075.5 (MANE Select); coding-DNA position 1682, C replaced by T.
Protein change: p.Thr561Met; replaces threonine 561 with methionine.
Molecular consequence: missense variant.
Genome position (GRCh38, 1-based): chr3:43,549,835, G>A on the plus strand (C>T on the coding strand, the complement: ANO10 is on the minus strand). VCF-style: chr3-43549835-G-A. GRCh37 (hg19) VCF-style: chr3-43591327-G-A.
Other names: c.1682C>T, p.Thr561Met (NM_001204831.3, NM_001346465.2, NM_001346468.2); c.1484C>T, p.Thr495Met (NM_001204832.3, NM_001346466.2, NM_001346469.2); c.1349C>T, p.Thr450Met (NM_001204833.3); c.1112C>T, p.Thr371Met (NM_001204834.3); c.1799C>T, p.Thr600Met (NM_001346463.2, NM_001346464.2, NM_001346467.2); short protein forms T561M, T450M, T371M, T495M, T600M.
Identifiers: ClinVar variation 128388 (VCV000128388.22), dbSNP rs17409162, ClinGen allele CA151825.

ClinVar aggregate classification (germline): Benign. Review status: criteria provided, multiple submitters, no conflicts (2 of 4 stars). 11 submissions from 11 submitters: Benign (8). 3 of the submissions do not count toward it. Last evaluated 2026-02-04.

Conditions:
Autosomal recessive spinocerebellar ataxia 10. Identifiers: Orphanet 284289, MedGen C3150998, MONDO:0013392, OMIM 613728.

Allele frequency attached by ClinVar (database versions not stated): 1000 Genomes Project 0.03694; 1000 Genomes Project 30x 0.03857; TOPMed 0.04681; gnomAD exomes 0.04742 and 0.05577; ExAC 0.04793; gnomAD 0.04825 and 0.04859; ESP Exome Variant Server 0.05559.
gnomAD v4.1: 88,800 of 1,613,188 alleles (5.5%); highest among the groups gnomAD compares: Non-Finnish European, 5.9%; 2,715 homozygotes.

Submissions (11):

Labcorp Genetics (formerly Invitae), Labcorp
Classification: Benign. Last evaluated: 2026-02-04. Review status: criteria provided, single submitter. Criteria: Invitae Variant Classification Sherloc (09022015). Collection method: clinical testing. Allele origin: germline.

Athena Diagnostics
Classification: Benign. Last evaluated: 2023-11-09. Review status: criteria provided, single submitter. Criteria: Athena Diagnostics Criteria. Collection method: clinical testing. Allele origin: unknown.

Mayo Clinic Laboratories, Mayo Clinic
Classification: Benign. Last evaluated: 2022-03-24. Review status: criteria provided, single submitter. Criteria: ACMG Guidelines, 2015. Collection method: clinical testing. Allele origin: germline. Observed: 44 variant alleles.

Genome-Nilou Lab
Classification: Benign for Autosomal recessive spinocerebellar ataxia 10. Last evaluated: 2021-07-14. Review status: criteria provided, single submitter. Criteria: ACMG Guidelines, 2015. Collection method: clinical testing. Allele origin: germline. Affected: no.

GeneDx
Classification: Benign. Last evaluated: 2021-05-04. Review status: criteria provided, single submitter. Criteria: GeneDx Variant Classification Process June 2021. Collection method: clinical testing. Allele origin: germline. Affected: yes.

Illumina Laboratory Services, Illumina
Classification: Benign for Autosomal recessive spinocerebellar ataxia 10. Last evaluated: 2018-01-12. Review status: criteria provided, single submitter. Criteria: ICSL Variant Classification Criteria 13 December 2019. Collection method: clinical testing. Allele origin: germline.
Comment: This variant was observed in the ICSL laboratory as part of a predisposition screen in an ostensibly healthy population. It had not been previously curated by ICSL or reported in the Human Gene Mutation Database (HGMD: prior to June 1st, 2018), and was therefore a candidate for classification through an automated scoring system. Utilizing variant allele frequency, disease prevalence and penetrance estimates, and inheritance mode, an automated score was calculated to assess if this variant is too frequent to cause the disease. Based on the score and internal cut-off values, a variant classified as benign is not then subjected to further curation. The score for this variant resulted in a classification of benign for this disease.

Clinical Genetics DNA and cytogenetics Diagnostics Lab, Erasmus MC, Erasmus Medical Center
Classification: Benign for Autosomal recessive spinocerebellar ataxia 10. Last evaluated: 2015-09-21. Review status: criteria provided, single submitter. Criteria: ACGS Guidelines, 2013. Collection method: clinical testing. Allele origin: germline. Affected: yes. Study: VKGL Data-share Consensus.

Breakthrough Genomics
Classification: Benign. Review status: criteria provided, single submitter. Criteria: ACMG Guidelines, 2015. Collection method: not provided. Allele origin: germline. Inheritance: Autosomal recessive inheritance. Affected: yes.

Diagnostic Laboratory, Department of Genetics, University Medical Center Groningen
Classification: Benign for Autosomal recessive spinocerebellar ataxia 10. Review status: no assertion criteria provided. Collection method: clinical testing. Allele origin: germline. Affected: yes. Study: VKGL Data-share Consensus. Not counted in ClinVar's aggregate classification.

Genetic Services Laboratory, University of Chicago
Classification: Likely benign for AllHighlyPenetrant. Review status: no assertion criteria provided. Collection method: clinical testing. Allele origin: germline. Inheritance: Autosomal recessive inheritance. Not counted in ClinVar's aggregate classification.
Comment: Likely benign based on allele frequency in 1000 Genomes Project or ESP global frequency and its presence in a patient with a rare or unrelated disease phenotype. NOT Sanger confirmed.

Joint Genome Diagnostic Labs from Nijmegen and Maastricht, Radboudumc and MUMC+
Classification: Benign. Review status: no assertion criteria provided. Collection method: clinical testing. Allele origin: germline. Affected: yes. Study: VKGL Data-share Consensus. Not counted in ClinVar's aggregate classification.